The following is an entry in ClinVar:

NM_013275.6(ANKRD11):c.5711_5727dup (p.Asp1910fs)

Gene: ANKRD11 (ankyrin repeat domain 11; minus strand). Cytogenetic location: 16q24.3.
Variant type: Duplication.
Coding change: c.5711_5727dup on transcript NM_013275.6 (MANE Select); coding-DNA positions 5711 to 5727, 17 bases duplicated (AAGGGGCCCTTCCCCCG).
Protein change: p.Asp1910fs; shifts the reading frame from aspartic acid 1910.
Molecular consequence: frameshift variant.
Genome position (GRCh38, 1-based): chr16:89,280,815-89,280,831, CGGGGGAAGGGCCCCTT duplicated on the plus strand (AAGGGGCCCTTCCCCCG on the coding strand, the reverse complement: ANKRD11 is on the minus strand); duplicating any 17 consecutive bases within chr16:89,280,815-89,280,833 gives the same sequence; the c. name uses the placement nearest the transcript's 3' end. VCF-style (leftmost placement, unchanged base first): chr16-89280814-C-CCGGGGGAAGGGCCCCTT. GRCh37 (hg19) VCF-style: chr16-89347222-C-CCGGGGGAAGGGCCCCTT.
Other names: c.5711_5727dup, p.Asp1910fs (NM_001256182.2, NM_001256183.2); short protein forms D1910fs.
Identifiers: ClinVar variation 4839761 (VCV004839761.1).

ClinVar aggregate classification (germline): Pathogenic (1 of 4 stars; one submission).

Conditions:
Inborn genetic diseases. Identifiers: MedGen C0950123, MeSH D030342.

Submission:

Ambry Genetics
Classification: Pathogenic for Inborn genetic diseases. Last evaluated: 2026-02-06. Review status: criteria provided, single submitter. Criteria: Ambry Variant Classification Scheme 2023. Collection method: clinical testing. Allele origin: germline.
Comment: The c.5711_5727dup17 (p.D1910Kfs*59) alteration, located in exon 9 (coding exon 7) of the ANKRD11 gene, consists of a duplication of AAGGGGCCCTTCCCCCG at position 5711, causing a translational frameshift with a predicted alternate stop codon after 59 amino acids. This variant is expected to result in loss of function by premature protein truncation or nonsense-mediated mRNA decay. This variant was not reported in population-based cohorts in the Genome Aggregation Database (gnomAD). Based on the available evidence, this alteration is classified as pathogenic.